The following is an entry in ClinVar:

ClinVar aggregate classification (germline): Uncertain significance. Review status: criteria provided, multiple submitters, no conflicts (2 of 4 stars). 2 submissions from 2 submitters: Uncertain significance (2). Last evaluated 2025-06-22.

Conditions:
Cardiovascular phenotype. Identifiers: MedGen CN230736.
Brugada syndrome. Also called: Sudden unexpected nocturnal death syndrome; Sudden unexplained nocturnal death syndrome; Sudden Unexplained Death Syndrome; Sudden Unexplained Nocturnal Death Syndrome (SUNDS). Identifiers: Orphanet 130, MedGen C1142166, MONDO:0015263.

Allele frequency attached by ClinVar (database versions not stated): gnomAD exomes below 0.00001; gnomAD 0.00002; TOPMed 0.00002.
gnomAD v4.1: 5 of 1,589,458 alleles (0.00031%); highest among the groups gnomAD compares: African/African-American, 0.0067%; no homozygotes.

Submissions (2):

Labcorp Genetics (formerly Invitae), Labcorp
Classification: Uncertain significance for Brugada syndrome. Last evaluated: 2025-06-22. Review status: criteria provided, single submitter. Criteria: Invitae Variant Classification Sherloc (09022015). Collection method: clinical testing. Allele origin: germline.
Comment: This sequence change replaces valine, which is neutral and non-polar, with alanine, which is neutral and non-polar, at codon 1078 of the SCN10A protein (p.Val1078Ala). This variant is present in population databases (no rsID available, gnomAD 0.008%). This missense change has been observed in individual(s) with clinical features of SCN10A-related conditions (PMID: 25998140, 28407228). ClinVar contains an entry for this variant (Variation ID: 1729218). Invitae Evidence Modeling of protein sequence and biophysical properties (such as structural, functional, and spatial information, amino acid conservation, physicochemical variation, residue mobility, and thermodynamic stability) indicates that this missense variant is not expected to disrupt SCN10A protein function with a negative predictive value of 95%. In summary, the available evidence is currently insufficient to determine the role of this variant in disease. Therefore, it has been classified as a Variant of Uncertain Significance.

Ambry Genetics
Classification: Uncertain significance for Cardiovascular phenotype. Last evaluated: 2024-01-08. Review status: criteria provided, single submitter. Criteria: Ambry Variant Classification Scheme 2023. Collection method: clinical testing. Allele origin: germline.
Comment: The p.V1078A variant (also known as c.3233T>C), located in coding exon 18 of the SCN10A gene, results from a T to C substitution at nucleotide position 3233. The valine at codon 1078 is replaced by alanine, an amino acid with similar properties. This amino acid position is not well conserved in available vertebrate species, and alanine is the reference amino acid in other vertebrate species. In addition, this alteration is predicted to be tolerated by in silico analysis. Since supporting evidence is limited at this time, the clinical significance of this alteration remains unclear.

Literature cited by the submitters: PubMed 25998140 (cited by Labcorp Genetics (formerly Invitae), Labcorp); PubMed 28407228 (cited by Labcorp Genetics (formerly Invitae), Labcorp).

NM_006514.4(SCN10A):c.3233T>C (p.Val1078Ala)

Genes: SCN10A (sodium voltage-gated channel alpha subunit 10; minus strand), LOC110121288 (VISTA enhancer hs2268; plus strand). Cytogenetic location: 3p22.2.
Variant type: single nucleotide variant.
Coding change: c.3233T>C on transcript NM_006514.4 (MANE Select); coding-DNA position 3233, T replaced by C.
Protein change: p.Val1078Ala; replaces valine 1078 with alanine.
Molecular consequence: missense variant.
Genome position (GRCh38, 1-based): chr3:38,723,549, A>G on the plus strand (T>C on the coding strand, the complement: SCN10A is on the minus strand). VCF-style: chr3-38723549-A-G. GRCh37 (hg19) VCF-style: chr3-38765040-A-G.
Other names: c.3230T>C, p.Val1077Ala (NM_001293306.2); c.2939T>C, p.Val980Ala (NM_001293307.2); short protein forms V1077A, V1078A, V980A.
Identifiers: ClinVar variation 1729218 (VCV001729218.7), dbSNP rs1163198911, ClinGen allele CA352156512.